The following is an entry in ClinVar:

ClinVar aggregate classification (germline): Uncertain significance. Review status: criteria provided, multiple submitters, no conflicts (2 of 4 stars). 2 submissions from 2 submitters: Uncertain significance (2). Last evaluated 2026-04-06.

gnomAD v4.1: 8 of 343,584 alleles (0.0023%); highest among the groups gnomAD compares: East Asian, 0.11%; no homozygotes.

Submissions (2):

GeneDx
Classification: Uncertain significance. Last evaluated: 2026-04-06. Review status: criteria provided, single submitter. Criteria: GeneDx Variant Classification Process June 2021. Collection method: clinical testing. Allele origin: germline.
Comment: In silico analysis suggests that this missense variant does not alter protein structure/function; Has not been previously published as pathogenic or benign to our knowledge

Labcorp Genetics (formerly Invitae), Labcorp
Classification: Uncertain significance. Last evaluated: 2022-08-19. Review status: criteria provided, single submitter. Criteria: Invitae Variant Classification Sherloc (09022015). Collection method: clinical testing. Allele origin: germline.
Comment: In summary, the available evidence is currently insufficient to determine the role of this variant in disease. Therefore, it has been classified as a Variant of Uncertain Significance. Algorithms developed to predict the effect of sequence changes on RNA splicing suggest that this variant may disrupt the consensus splice site. Algorithms developed to predict the effect of missense changes on protein structure and function output the following: SIFT: "Tolerated"; PolyPhen-2: "Benign"; Align-GVGD: "Class C0". The glutamic acid amino acid residue is found in multiple mammalian species, which suggests that this missense change does not adversely affect protein function. This variant has not been reported in the literature in individuals affected with OTOG-related conditions. This variant is present in population databases (no rsID available, gnomAD 0.02%). This sequence change replaces alanine, which is neutral and non-polar, with glutamic acid, which is acidic and polar, at codon 2742 of the OTOG protein (p.Ala2742Glu).

NM_001292063.2(OTOG):c.8189C>A (p.Ala2730Glu)

Gene: OTOG (otogelin; plus strand). Cytogenetic location: 11p15.1.
Variant type: single nucleotide variant.
Coding change: c.8189C>A on transcript NM_001292063.2 (MANE Select); coding-DNA position 8189, C replaced by A.
Protein change: p.Ala2730Glu; replaces alanine 2730 with glutamic acid.
Molecular consequence: missense variant.
Genome position (GRCh38, 1-based): chr11:17,641,090, C>A. VCF-style: chr11-17641090-C-A. GRCh37 (hg19) VCF-style: chr11-17662637-C-A.
Other names: c.8225C>A, p.Ala2742Glu (NM_001277269.2); c.8225C>A (NM_001277269.1); short protein forms A2730E, A2742E.
Identifiers: ClinVar variation 1909473 (VCV001909473.6), dbSNP rs913708652, ClinGen allele CA379785027.